The following is an entry in ClinVar:

ClinVar aggregate classification (germline): Uncertain significance. Review status: criteria provided, multiple submitters, no conflicts (2 of 4 stars). 3 submissions from 3 submitters: Uncertain significance (3). Last evaluated 2025-12-22.

Conditions:
Cardiovascular phenotype. Identifiers: MedGen CN230736.
Catecholaminergic polymorphic ventricular tachycardia 1. Also called: VENTRICULAR TACHYCARDIA, STRESS-INDUCED POLYMORPHIC 1; VENTRICULAR TACHYCARDIA, CATECHOLAMINERGIC POLYMORPHIC, 1, WITH OR WITHOUT ATRIAL DYSFUNCTION AND/OR DILATED CARDIOMYOPATHY; RYR2-Related Catecholaminergic Polymorphic Ventricular Tachycardia. Identifiers: Orphanet 3286, MedGen C1631597, MONDO:0011484, OMIM 604772.
Catecholaminergic polymorphic ventricular tachycardia 2. Also called: VENTRICULAR TACHYCARDIA, STRESS-INDUCED POLYMORPHIC 2; CASQ2-Related Catecholaminergic Polymorphic Ventricular Tachycardia. Identifiers: Orphanet 3286, MedGen C2677794, MONDO:0012762, OMIM 611938.

Allele frequency attached by ClinVar (database versions not stated): gnomAD exomes below 0.00001.
gnomAD v4.1: 1 of 1,613,222 alleles (0.000062%); highest among the groups gnomAD compares: Non-Finnish European, 0.000085%; no homozygotes.

Submissions (3):

Labcorp Genetics (formerly Invitae), Labcorp
Classification: Uncertain significance for Catecholaminergic polymorphic ventricular tachycardia 1. Last evaluated: 2025-12-22. Review status: criteria provided, single submitter. Criteria: Invitae Variant Classification Sherloc (09022015). Collection method: clinical testing. Allele origin: germline.
Comment: This sequence change replaces isoleucine, which is neutral and non-polar, with phenylalanine, which is neutral and non-polar, at codon 11 of the CASQ2 protein (p.Ile11Phe). This variant is not present in population databases (gnomAD no frequency). This variant has not been reported in the literature in individuals affected with CASQ2-related conditions. ClinVar contains an entry for this variant (Variation ID: 1370226). An algorithm developed to predict the effect of missense changes on protein structure and function outputs the following: PolyPhen-2: "Benign". The phenylalanine amino acid residue is found in multiple mammalian species, which suggests that this missense change does not adversely affect protein function. In summary, the available evidence is currently insufficient to determine the role of this variant in disease. Therefore, it has been classified as a Variant of Uncertain Significance.

Genome-Nilou Lab
Classification: Uncertain significance for Catecholaminergic polymorphic ventricular tachycardia 2. Last evaluated: 2023-04-11. Review status: criteria provided, single submitter. Criteria: ACMG Guidelines, 2015. Collection method: clinical testing. Allele origin: germline. Affected: no.

Ambry Genetics
Classification: Uncertain significance for Cardiovascular phenotype. Last evaluated: 2022-10-17. Review status: criteria provided, single submitter. Criteria: Ambry Variant Classification Scheme 2023. Collection method: clinical testing. Allele origin: germline.
Comment: The p.I11F variant (also known as c.31A>T), located in coding exon 1 of the CASQ2 gene, results from an A to T substitution at nucleotide position 31. The isoleucine at codon 11 is replaced by phenylalanine, an amino acid with highly similar properties. This amino acid position is conserved. In addition, this alteration is predicted to be tolerated by in silico analysis. Since supporting evidence is limited at this time, the clinical significance of this alteration remains unclear.

NM_001232.4(CASQ2):c.31A>T (p.Ile11Phe)

Gene: CASQ2 (calsequestrin 2; minus strand). Cytogenetic location: 1p13.1.
Variant type: single nucleotide variant.
Coding change: c.31A>T on transcript NM_001232.4 (MANE Select); coding-DNA position 31, A replaced by T.
Protein change: p.Ile11Phe; replaces isoleucine 11 with phenylalanine.
Molecular consequence: missense variant.
Genome position (GRCh38, 1-based): chr1:115,768,511, T>A on the plus strand (A>T on the coding strand, the complement: CASQ2 is on the minus strand). VCF-style: chr1-115768511-T-A. GRCh37 (hg19) VCF-style: chr1-116311132-T-A.
Other names: short protein forms I11F.
Identifiers: ClinVar variation 1370226 (VCV001370226.7), dbSNP rs2101130741, ClinGen allele CA341767414.